The following is an entry in ClinVar:

NM_001127208.3(TET2):c.245_248del (p.Ser82fs)

Genes: TET2 (tet methylcytosine dioxygenase 2; plus strand), TET2-AS1 (TET2 antisense RNA 1; minus strand). Cytogenetic location: 4q24.
Variant type: Deletion.
Coding change: c.245_248del on transcript NM_001127208.3 (MANE Select); coding-DNA positions 245 to 248, 4 bases deleted (GTAG; older notation c.245_248delGTAG).
Protein change: p.Ser82fs; shifts the reading frame from serine 82.
Molecular consequence: frameshift variant.
Genome position (GRCh38, 1-based): chr4:105,234,187-105,234,190, GTAG deleted. VCF-style (leftmost placement, unchanged base first): chr4-105234186-AGTAG-A. GRCh37 (hg19) VCF-style: chr4-106155343-AGTAG-A.
Other names: c.245_248del, p.Ser82fs (NM_017628.4); short protein forms S82fs.
Identifiers: ClinVar variation 4713970 (VCV004713970.1).
Genomic context (GRCh38, chr4:105,234,186, plus strand): 5'-GGAATACCCTGTATGAAGGGAAGCCAGAATAGTCGTGTGAGTCCTGACTTTACACAAGAA[AGTAG>A]AGGGTATTCCAAGTGTTTGCAAAATGGAGGAATAAAACGCACAGTTAGTGAACCTTCTCT-3'

ClinVar aggregate classification (germline): Pathogenic (1 of 4 stars; one submission).

Submission:

Labcorp Genetics (formerly Invitae), Labcorp
Classification: Pathogenic. Last evaluated: 2025-02-26. Review status: criteria provided, single submitter. Criteria: Invitae Variant Classification Sherloc (09022015). Collection method: clinical testing. Allele origin: germline.
Comment: This sequence change creates a premature translational stop signal (p.Ser82Lysfs*12) in the TET2 gene. It is expected to result in an absent or disrupted protein product. Loss-of-function variants in TET2 are known to be pathogenic (PMID: 36066697). This variant is not present in population databases (gnomAD no frequency). This variant has not been reported in the literature in individuals affected with TET2-related conditions. For these reasons, this variant has been classified as Pathogenic.

Literature cited by the submitters: PubMed 36066697.